The following is an entry in ClinVar:

NM_006180.6(NTRK2):c.1591C>T (p.Gln531Ter)

Gene: NTRK2 (neurotrophic receptor tyrosine kinase 2; plus strand). Cytogenetic location: 9q21.33.
Variant type: single nucleotide variant.
Coding change: c.1591C>T on transcript NM_006180.6 (MANE Select); coding-DNA position 1591, C replaced by T.
Protein change: p.Gln531Ter; replaces glutamine 531 with a stop codon.
Molecular consequence: nonsense.
Genome position (GRCh38, 1-based): chr9:84,867,389, C>T. VCF-style: chr9-84867389-C-T. GRCh37 (hg19) VCF-style: chr9-87482304-C-T.
Other names: c.1543C>T, p.Gln515Ter (NM_001018064.3, NM_001018066.3, NM_001369532.1 and 2 more transcripts); c.1591C>T, p.Gln531Ter (NM_001018065.2, NM_001369537.1); c.1507C>T, p.Gln503Ter (NM_001369534.1); c.1075C>T, p.Gln359Ter (NM_001369535.1); c.1123C>T, p.Gln375Ter (NM_001369536.1); short protein forms Q375*, Q503*, Q515*, Q531*, Q359*.
Identifiers: ClinVar variation 4999723 (VCV004999723.1).
Genomic context (GRCh38, chr9:84,867,389, plus strand): 5'-GAAGGTGGCCCAGATGCTGTCATTATTGGAATGACCAAGATCCCTGTCATTGAAAATCCC[C>T]AGTACTTTGGCATCACCAACAGTCAGCTCAAGCCAGACACATGTAAGTACAGCTGTTTGT-3'

ClinVar aggregate classification (germline): Uncertain significance (1 of 4 stars; one submission).

Conditions:
NTRK2-related disorder. Also called: NTRK2-related condition.

Submission:

PreventionGenetics, part of Exact Sciences
Classification: Uncertain significance for NTRK2-related condition. Last evaluated: 2025-08-05. Review status: criteria provided, single submitter. Criteria: ACMG Guidelines, 2015. Collection method: clinical testing. Allele origin: germline.
Comment: The NTRK2 c.1591C>T variant is predicted to result in premature protein termination (p.Gln531*). To our knowledge, this variant has not been reported in the literature or in a large population database (gnomAD), indicating this variant is rare. A recent study has suggested that truncating variants may lead to a milder disorder than variants that cause an upregulation of NTRK2 activity (Berger et al. 2024. PubMed ID: 39540377); however, conclusive evidence supporting loss of function as a mechanism of disease for NTRK2-related disorders is still provisional. Although we suspect that this variant may be pathogenic, at this time, the clinical significance of this variant is uncertain due to the absence of conclusive functional and genetic evidence.